The following is an entry in ClinVar:

ClinVar aggregate classification (germline): Uncertain significance. Review status: criteria provided, multiple submitters, no conflicts (2 of 4 stars). 3 submissions from 3 submitters: Uncertain significance (2). 1 of the submissions does not count toward it. Last evaluated 2024-09-02.

Conditions:
Inborn genetic diseases. Identifiers: MedGen C0950123, MeSH D030342.
Glycogen storage disease type III (GSD3). Also called: FORBES DISEASE; Cori disease. Identifiers: Orphanet 366, MedGen C0017922, MONDO:0009291, OMIM 232400.

Allele frequency attached by ClinVar (database versions not stated): gnomAD exomes below 0.00001; ExAC 0.00001; TOPMed 0.00001.
gnomAD v4.1: 3 of 1,613,448 alleles (0.00019%); highest among the groups gnomAD compares: African/African-American, 0.0013%; no homozygotes.

Submissions (3):

Ambry Genetics
Classification: Uncertain significance for Inborn genetic diseases. Last evaluated: 2024-09-02. Review status: criteria provided, single submitter. Criteria: Ambry Variant Classification Scheme 2023. Collection method: clinical testing. Allele origin: germline.

Labcorp Genetics (formerly Invitae), Labcorp
Classification: Uncertain significance for Glycogen storage disease type III. Last evaluated: 2022-03-19. Review status: criteria provided, single submitter. Criteria: Invitae Variant Classification Sherloc (09022015). Collection method: clinical testing. Allele origin: germline.
Comment: This sequence change replaces leucine, which is neutral and non-polar, with phenylalanine, which is neutral and non-polar, at codon 1409 of the AGL protein (p.Leu1409Phe). This variant is present in population databases (rs758570060, gnomAD 0.007%). This variant has not been reported in the literature in individuals affected with AGL-related conditions. ClinVar contains an entry for this variant (Variation ID: 968266). Algorithms developed to predict the effect of missense changes on protein structure and function are either unavailable or do not agree on the potential impact of this missense change (SIFT: "Tolerated"; PolyPhen-2: "Possibly Damaging"; Align-GVGD: "Class C0"). In summary, the available evidence is currently insufficient to determine the role of this variant in disease. Therefore, it has been classified as a Variant of Uncertain Significance.

Natera, Inc.
Classification: Uncertain significance for Glycogen storage disease type III. Last evaluated: 2020-12-28. Review status: no assertion criteria provided. Collection method: clinical testing. Allele origin: germline. Not counted in ClinVar's aggregate classification.

NM_000642.3(AGL):c.4225C>T (p.Leu1409Phe)

Gene: AGL (amylo-alpha-1,6-glucosidase and 4-alpha-glucanotransferase; plus strand). Cytogenetic location: 1p21.2.
Variant type: single nucleotide variant.
Coding change: c.4225C>T on transcript NM_000642.3 (MANE Select); coding-DNA position 4225, C replaced by T.
Protein change: p.Leu1409Phe; replaces leucine 1409 with phenylalanine.
Molecular consequence: missense variant.
Genome position (GRCh38, 1-based): chr1:99,915,452, C>T. VCF-style: chr1-99915452-C-T. GRCh37 (hg19) VCF-style: chr1-100381008-C-T.
Other names: c.4225C>T, p.Leu1409Phe (NM_000028.3, NM_000643.3, NM_000644.3 and 1 more transcripts); c.4177C>T, p.Leu1393Phe (NM_000646.3); c.4204C>T, p.Leu1402Phe (NM_001425326.1); c.4024C>T, p.Leu1342Phe (NM_001425327.1); c.4021C>T, p.Leu1341Phe (NM_001425328.1); c.3886C>T, p.Leu1296Phe (NM_001425329.1); c.3847C>T, p.Leu1283Phe (NM_001425332.1); short protein forms L1393F, L1409F, L1283F, L1296F, L1341F, L1342F, L1402F.
Identifiers: ClinVar variation 968266 (VCV000968266.9), dbSNP rs758570060, ClinGen allele CA967355.